The following is an entry in ClinVar:

NM_003331.5(TYK2):c.311G>A (p.Arg104His)

Gene: TYK2 (tyrosine kinase 2; minus strand). Cytogenetic location: 19p13.2.
Variant type: single nucleotide variant.
Coding change: c.311G>A on transcript NM_003331.5 (MANE Select); coding-DNA position 311, G replaced by A.
Protein change: p.Arg104His; replaces arginine 104 with histidine.
Molecular consequence: missense variant.
Genome position (GRCh38, 1-based): chr19:10,368,301, C>T on the plus strand (G>A on the coding strand, the complement: TYK2 is on the minus strand). VCF-style: chr19-10368301-C-T. GRCh37 (hg19) VCF-style: chr19-10478977-C-T.
Other names: c.311G>A (LRG_121t1); short protein forms R104H.
Identifiers: ClinVar variation 450435 (VCV000450435.8), dbSNP rs774448680, ClinGen allele CA9193791.

ClinVar aggregate classification (germline): Uncertain significance. Review status: criteria provided, multiple submitters, no conflicts (2 of 4 stars). 2 submissions from 2 submitters: Uncertain significance (2). Last evaluated 2024-03-14.

Conditions:
Immunodeficiency 35 (IMD35). Also called: TYK2 DEFICIENCY; HIES WITH ATYPICAL MYCOBACTERIOSIS, AUTOSOMAL RECESSIVE; HYPER-IgE SYNDROME WITH ATYPICAL MYCOBACTERIOSIS, AUTOSOMAL RECESSIVE; Susceptibility to infection due to TYK2 deficiency. Identifiers: Orphanet 331226, MedGen C1969086, MONDO:0012682, OMIM 611521.

Allele frequency attached by ClinVar (database versions not stated): gnomAD 0.00001; gnomAD exomes 0.00001 and 0.00002; ExAC 0.00004; TOPMed 0.00004.
gnomAD v4.1: 18 of 1,613,996 alleles (0.0011%); highest among the groups gnomAD compares: East Asian, 0.0045%; no homozygotes.

Submissions (2):

Labcorp Genetics (formerly Invitae), Labcorp
Classification: Uncertain significance for Immunodeficiency 35. Last evaluated: 2024-03-14. Review status: criteria provided, single submitter. Criteria: Invitae Variant Classification Sherloc (09022015). Collection method: clinical testing. Allele origin: germline.
Comment: This sequence change replaces arginine, which is basic and polar, with histidine, which is basic and polar, at codon 104 of the TYK2 protein (p.Arg104His). This variant is present in population databases (rs774448680, gnomAD 0.01%). This variant has not been reported in the literature in individuals affected with TYK2-related conditions. ClinVar contains an entry for this variant (Variation ID: 450435). An algorithm developed to predict the effect of missense changes on protein structure and function (PolyPhen-2) suggests that this variant is likely to be disruptive. In summary, the available evidence is currently insufficient to determine the role of this variant in disease. Therefore, it has been classified as a Variant of Uncertain Significance.

GeneDx
Classification: Uncertain significance. Last evaluated: 2017-07-05. Review status: criteria provided, single submitter. Criteria: GeneDx Variant Classification (06012015). Collection method: clinical testing. Allele origin: germline. Affected: yes.
Comment: The R104H variant has not been published as a pathogenic variant, nor has it been reported as a benign variant to our knowledge. The variant is not observed at a significant frequency in large population cohorts (Lek et al., 2016; 1000 Genomes Consortium et al., 2015; Exome Variant Server). R104H is a conservative amino acid substitution, which is not likely to impact secondary protein structure as these residues share similar properties. However, this substitution occurs at a position that is conserved across species, and in silico analysis predicts this variant is probably damaging to the protein structure/function. In summary, based on the currently available information, it is unclear whether this variant is a pathogenic variant or a rare benign variant.